The following is an entry in ClinVar:

NM_005859.5(PURA):c.138C>G (p.Gly46=)

Gene: PURA (purine rich element binding protein A; plus strand). Cytogenetic location: 5q31.3.
Variant type: single nucleotide variant.
Coding change: c.138C>G on transcript NM_005859.5 (MANE Select); coding-DNA position 138, C replaced by G.
Protein change: p.Gly46=; no amino-acid change (glycine 46 retained).
Molecular consequence: synonymous variant.
Genome position (GRCh38, 1-based): chr5:140,114,319, C>G. VCF-style: chr5-140114319-C-G. GRCh37 (hg19) VCF-style: chr5-139493904-C-G.
Identifiers: ClinVar variation 3639420 (VCV003639420.3).
Genomic context (GRCh38, chr5:140,114,319, plus strand): 5'-GGGCTCAGGCTCCGGCGGGGGCGGTGGTGGCGGCGGGGGCGGCGGCGGCAGTGGCGGCGG[C>G]GGCGGCGGGGCCCCAGGGGGGCTGCAGCACGAGACGCAGGAGCTGGCCTCCAAGCGGGTG-3'
Protein context (NP_005850.1, residues 36-56): GGGGGGGSGG[Gly46=]GGGAPGGLQH

ClinVar aggregate classification (germline): Conflicting classifications of pathogenicity. Review status: criteria provided, conflicting classifications (1 of 4 stars). 2 submissions from 2 submitters: Uncertain significance (1); Likely benign (1). Last evaluated 2024-02-07.

Conditions:
PURA-related severe neonatal hypotonia-seizures-encephalopathy syndrome (NEDRIHF). Also called: PURA-Related Neurodevelopmental Disorders; NEURODEVELOPMENTAL DISORDER WITH NEONATAL RESPIRATORY INSUFFICIENCY, HYPOTONIA, AND FEEDING DIFFICULTIES. Identifiers: Orphanet 438213, Orphanet 438216, MedGen C4015357, MONDO:1060108, OMIM 616158, MONDO:0018580.

Submissions (2):

Labcorp Genetics (formerly Invitae), Labcorp
Classification: Uncertain significance for PURA-related severe neonatal hypotonia-seizures-encephalopathy syndrome. Last evaluated: 2024-02-07. Review status: criteria provided, single submitter. Criteria: Invitae Variant Classification Sherloc (09022015). Collection method: clinical testing. Allele origin: germline.
Comment: This sequence change affects codon 46 of the PURA mRNA. It is a 'silent' change, meaning that it does not change the encoded amino acid sequence of the PURA protein. This variant is not present in population databases (gnomAD no frequency). This variant has not been reported in the literature in individuals affected with PURA-related conditions. In summary, the available evidence is currently insufficient to determine the role of this variant in disease. Therefore, it has been classified as a Variant of Uncertain Significance.

Blueprint Genetics
Classification: Likely benign. Last evaluated: 2021-07-06. Review status: criteria provided, single submitter. Criteria: ACMG Guidelines, 2015. Collection method: clinical testing. Allele origin: germline.